The following is an entry in ClinVar:

NM_001035.3(RYR2):c.9693G>A (p.Met3231Ile)

Gene: RYR2 (ryanodine receptor 2; plus strand). Cytogenetic location: 1q43.
Variant type: single nucleotide variant.
Coding change: c.9693G>A on transcript NM_001035.3 (MANE Select); coding-DNA position 9693, G replaced by A.
Protein change: p.Met3231Ile; replaces methionine 3231 with isoleucine.
Molecular consequence: missense variant.
Genome position (GRCh38, 1-based): chr1:237,707,061, G>A. VCF-style: chr1-237707061-G-A. GRCh37 (hg19) VCF-style: chr1-237870361-G-A.
Other names: short protein forms M3231I.
Identifiers: ClinVar variation 1491719 (VCV001491719.9), dbSNP rs748858246, ClinGen allele CA087946.

ClinVar aggregate classification (germline): Uncertain significance. Review status: criteria provided, multiple submitters, no conflicts (2 of 4 stars). 4 submissions from 4 submitters: Uncertain significance (4). Last evaluated 2024-10-11.

Conditions:
Catecholaminergic polymorphic ventricular tachycardia 1. Also called: VENTRICULAR TACHYCARDIA, CATECHOLAMINERGIC POLYMORPHIC, 1, WITH OR WITHOUT ATRIAL DYSFUNCTION AND/OR DILATED CARDIOMYOPATHY; VENTRICULAR TACHYCARDIA, STRESS-INDUCED POLYMORPHIC 1; RYR2-Related Catecholaminergic Polymorphic Ventricular Tachycardia. Identifiers: Orphanet 3286, MedGen C1631597, MONDO:0011484, OMIM 604772.
Ventricular arrhythmias due to cardiac ryanodine receptor calcium release deficiency syndrome. Also called: Autosomal dominant cardiac arrhythmia (Kuhn). Identifiers: MedGen C5542154, MONDO:0020745, OMIM 115000.
Arrhythmogenic right ventricular dysplasia 2. Identifiers: MedGen C1832931.
Catecholaminergic polymorphic ventricular tachycardia (CVPT). Also called: Catecholamine-induced polymorphic ventricular tachycardia. Identifiers: Orphanet 3286, MedGen C5574922, MONDO:0017990.

Allele frequency attached by ClinVar (database versions not stated): gnomAD exomes below 0.00001; ExAC 0.00001.
gnomAD v4.1: 1 of 1,613,890 alleles (0.000062%); highest among the groups gnomAD compares: Admixed American, 0.0017%; no homozygotes.

Submissions (4):

ARUP Laboratories, Molecular Genetics and Genomics, ARUP Laboratories
Classification: Uncertain significance. Last evaluated: 2024-10-11. Review status: criteria provided, single submitter. Criteria: ARUP Molecular Germline Variant Investigation Process 2024. Collection method: clinical testing. Allele origin: germline.
Comment: The RYR2 c.9693G>A; p.Met3231Ile variant (rs748858246), to our knowledge, is not reported in the medical literature but is reported in ClinVar (Variation ID: 1491719). This variant is only observed on one allele in the Genome Aggregation Database (v2.1.1), indicating it is not a common polymorphism. Computational analyses are uncertain whether this variant is neutral or deleterious (REVEL: 0.392). Due to limited information, the clinical significance of this variant is uncertain at this time.

All of Us Research Program, National Institutes of Health
Classification: Uncertain significance for Catecholaminergic polymorphic ventricular tachycardia. Last evaluated: 2023-06-26. Review status: criteria provided, single submitter. Criteria: ACMG Guidelines, 2015. Collection method: clinical testing. Allele origin: germline. Inheritance: Autosomal dominant inheritance. Observed: 1 variant allele, 1 heterozygote.
Comment: This missense variant replaces methionine with isoleucine at codon 3231 of the RYR2 protein. Computational prediction suggests that this variant may not impact protein structure and function (internally defined REVEL score threshold <= 0.5, PMID: 27666373). To our knowledge, functional studies have not been reported for this variant. This variant has not been reported in individuals affected with RYR2-related disorders in the literature. This variant has been identified in 1/249078 chromosomes in the general population by the Genome Aggregation Database (gnomAD). The available evidence is insufficient to determine the role of this variant in disease conclusively. Therefore, this variant is classified as a Variant of Uncertain Significance.

This study involves interpretation of variants in research participants for the purpose of population health screening. Participant phenotype was not available at the time of variant classification. Additional details can be found in publication PMID: 35346344, PMCID: PMC8962531

Fulgent Genetics
Classification: Uncertain significance for Ventricular arrhythmias due to cardiac ryanodine receptor calcium release deficiency syndrome; Catecholaminergic polymorphic ventricular tachycardia 1. Last evaluated: 2021-10-22. Review status: criteria provided, single submitter. Criteria: ACMG Guidelines, 2015. Collection method: clinical testing. Allele origin: unknown.

Labcorp Genetics (formerly Invitae), Labcorp
Classification: Uncertain significance for Catecholaminergic polymorphic ventricular tachycardia 1. Last evaluated: 2021-08-26. Review status: criteria provided, single submitter. Criteria: Invitae Variant Classification Sherloc (09022015). Collection method: clinical testing. Allele origin: germline.
Comment: This sequence change replaces methionine with isoleucine at codon 3231 of the RYR2 protein (p.Met3231Ile). The methionine residue is highly conserved and there is a small physicochemical difference between methionine and isoleucine. This variant is present in population databases (rs748858246, ExAC 0.009%). This variant has not been reported in the literature in individuals affected with RYR2-related conditions. Advanced modeling of protein sequence and biophysical properties (such as structural, functional, and spatial information, amino acid conservation, physicochemical variation, residue mobility, and thermodynamic stability) performed at Invitae indicates that this missense variant is not expected to disrupt RYR2 protein function. In summary, the available evidence is currently insufficient to determine the role of this variant in disease. Therefore, it has been classified as a Variant of Uncertain Significance.